The following is an entry in ClinVar:

NM_004795.4(KL):c.*722T>C

Gene: KL (klotho; plus strand). Cytogenetic location: 13q13.1.
Variant type: single nucleotide variant.
Coding change: c.*722T>C on transcript NM_004795.4 (MANE Select); 722 bases downstream of the stop codon, T replaced by C.
Molecular consequence: 3 prime UTR variant.
Genome position (GRCh38, 1-based): chr13:33,064,908, T>C. VCF-style: chr13-33064908-T-C. GRCh37 (hg19) VCF-style: chr13-33639045-T-C.
Identifiers: ClinVar variation 311718 (VCV000311718.6), dbSNP rs183407162, ClinGen allele CA10634135.
Genomic context (GRCh38, chr13:33,064,908, plus strand): 5'-GTGTCCCTGAGGGATCTGTCTCACTGGCATCTTGTTGAGGGCCTTGCACATAGGAAACTT[T>C]TGATAAGTATCTGCGGAAAAACAAACATGAATCCTGTGATATTGGGCTCTTCAGGAAGCA-3'

ClinVar aggregate classification (germline): Likely benign. Review status: criteria provided, multiple submitters, no conflicts (2 of 4 stars). 2 submissions from 2 submitters: Likely benign (2). Last evaluated 2018-01-12.

Conditions:
Tumoral calcinosis, hyperphosphatemic, familial, 3. Identifiers: MedGen C4693864, MONDO:0060715, OMIM 617994.

Allele frequency attached by ClinVar (database versions not stated): 1000 Genomes Project 0.00359; gnomAD exomes 0.00979; TOPMed 0.00906; gnomAD 0.01049 and 0.01088; 1000 Genomes Project 30x 0.00312.
gnomAD v4.1: 2,335 of 228,490 alleles (1%); highest among the groups gnomAD compares: Non-Finnish European, 1.4%; 19 homozygotes.

Submissions (2):

Illumina Laboratory Services, Illumina
Classification: Likely benign for Tumoral calcinosis, hyperphosphatemic, familial, 3. Last evaluated: 2018-01-12. Review status: criteria provided, single submitter. Criteria: ICSL Variant Classification Criteria 13 December 2019. Collection method: clinical testing. Allele origin: germline.
Comment: This variant was observed in the ICSL laboratory as part of a predisposition screen in an ostensibly healthy population. It had not been previously curated by ICSL or reported in the Human Gene Mutation Database (HGMD: prior to June 1st, 2018), and was therefore a candidate for classification through an automated scoring system. Utilizing variant allele frequency, disease prevalence and penetrance estimates, and inheritance mode, an automated score was calculated to assess if this variant is too frequent to cause the disease. Based on the score and internal cut-off values, a variant classified as likely benign is not then subjected to further curation. The score for this variant resulted in a classification of likely benign for this disease.

Breakthrough Genomics
Classification: Likely benign. Review status: criteria provided, single submitter. Criteria: ACMG Guidelines, 2015. Collection method: not provided. Allele origin: germline. Inheritance: Autosomal recessive inheritance. Affected: yes.